The following is an entry in ClinVar:

NC_000019.10:g.(?_55151814)_(55154850_?)del

Gene: TNNI3 (troponin I3, cardiac type; minus strand). Cytogenetic location: 19q13.42.
Variant type: Deletion.
Identifiers: ClinVar variation 583543 (VCV000583543.1).

ClinVar aggregate classification (germline): Uncertain significance (1 of 4 stars; one submission).

Conditions:
Hypertrophic cardiomyopathy. Also called: HYPERTROPHIC MYOCARDIOPATHY. Identifiers: Orphanet 217569, MedGen C0007194, MeSH D002312, MONDO:0005045, HP:0001639.

Submission:

Labcorp Genetics (formerly Invitae), Labcorp
Classification: Uncertain significance for Hypertrophic cardiomyopathy. Last evaluated: 2018-04-27. Review status: criteria provided, single submitter. Criteria: Invitae Variant Classification Sherloc (09022015). Collection method: clinical testing. Allele origin: germline.
Comment: This variant is a gross deletion of the genomic region encompassing exons 6-8 of the TNNI3 gene. The 5' boundary is likely confined to intron 5. The 3' end of this event is unknown as it extends through the termination codon beyond the assayed region for this gene and may encompass additional genes. While this deletion is not anticipated to result in nonsense mediated decay, it is expected to create a truncated protein product or disrupt mRNA translation. This variant has not been reported in the literature in individuals with TNNI3-related disease. The current clinical and genetic evidence is not sufficient to establish whether loss-of-function variants in TNNI3 cause disease. In summary, the available evidence is currently insufficient to determine the role of this variant in disease. Therefore, it has been classified as a Variant of Uncertain Significance.